The following is an entry in ClinVar:

NM_031372.4(HNRNPDL):c.83C>T (p.Ser28Phe)

Gene: HNRNPDL (heterogeneous nuclear ribonucleoprotein D like; minus strand). Cytogenetic location: 4q21.22.
Variant type: single nucleotide variant.
Coding change: c.83C>T on transcript NM_031372.4 (MANE Select); coding-DNA position 83, C replaced by T.
Protein change: p.Ser28Phe; replaces serine 28 with phenylalanine.
Molecular consequence: missense variant. On other transcripts: non-coding transcript variant (1).
Genome position (GRCh38, 1-based): chr4:82,429,608, G>A on the plus strand (C>T on the coding strand, the complement: HNRNPDL is on the minus strand). VCF-style: chr4-82429608-G-A. GRCh37 (hg19) VCF-style: chr4-83350761-G-A.
Other names: c.83C>T, p.Ser28Phe (NM_001207000.1); short protein forms S28F.
Identifiers: ClinVar variation 2172750 (VCV002172750.4), dbSNP rs1317573266, ClinGen allele CA357173734.

ClinVar aggregate classification (germline): Uncertain significance (1 of 4 stars; one submission).

Conditions:
Autosomal dominant limb-girdle muscular dystrophy type 1G (LGMDD3). Also called: Limb-girdle muscular dystrophy, type 1G; MUSCULAR DYSTROPHY, LIMB-GIRDLE, AUTOSOMAL DOMINANT 3. Identifiers: Orphanet 55596, MedGen C1836765, MONDO:0012193, OMIM 609115.

Submission:

Labcorp Genetics (formerly Invitae), Labcorp
Classification: Uncertain significance for Autosomal dominant limb-girdle muscular dystrophy type 1G. Last evaluated: 2021-12-19. Review status: criteria provided, single submitter. Criteria: Invitae Variant Classification Sherloc (09022015). Collection method: clinical testing. Allele origin: germline.
Comment: This variant has not been reported in the literature in individuals affected with HNRNPDL-related conditions. In summary, the available evidence is currently insufficient to determine the role of this variant in disease. Therefore, it has been classified as a Variant of Uncertain Significance. Algorithms developed to predict the effect of missense changes on protein structure and function are either unavailable or do not agree on the potential impact of this missense change (SIFT: "Deleterious"; PolyPhen-2: "Possibly Damaging"; Align-GVGD: "Class C0"). This variant is not present in population databases (gnomAD no frequency). This sequence change replaces serine, which is neutral and polar, with phenylalanine, which is neutral and non-polar, at codon 28 of the HNRNPDL protein (p.Ser28Phe).